The following is an entry in ClinVar:

ClinVar aggregate classification (germline): Uncertain significance (1 of 4 stars; one submission).

Conditions:
Inborn genetic diseases. Identifiers: MedGen C0950123, MeSH D030342.

Submission:

Ambry Genetics
Classification: Uncertain significance for Inborn genetic diseases. Last evaluated: 2026-04-27. Review status: criteria provided, single submitter. Criteria: Ambry Variant Classification Scheme 2023. Collection method: clinical testing. Allele origin: germline.
Comment: The p.R332T variant (also known as c.995G>C), located in coding exon 4 of the SH2B3 gene, results from a G to C substitution at nucleotide position 995. The arginine at codon 332 is replaced by threonine, an amino acid with similar properties. This amino acid position is conserved. In addition, this alteration is predicted to be tolerated by in silico analysis. Based on the available evidence, the clinical significance of this variant remains unclear.

NM_005475.3(SH2B3):c.995G>C (p.Arg332Thr)

Gene: SH2B3 (SH2B adaptor protein 3; plus strand). Cytogenetic location: 12q24.12.
Variant type: single nucleotide variant.
Coding change: c.995G>C on transcript NM_005475.3 (MANE Select); coding-DNA position 995, G replaced by C.
Protein change: p.Arg332Thr; replaces arginine 332 with threonine.
Molecular consequence: missense variant.
Genome position (GRCh38, 1-based): chr12:111,447,193, G>C. VCF-style: chr12-111447193-G-C. GRCh37 (hg19) VCF-style: chr12-111884997-G-C.
Other names: c.389G>C, p.Arg130Thr (NM_001291424.1); short protein forms R130T, R332T.
Identifiers: ClinVar variation 4864436 (VCV004864436.1).